The following is an entry in ClinVar:

ClinVar aggregate classification (germline): Uncertain significance (1 of 4 stars; one submission).

gnomAD v4.1: 1 of 1,614,196 alleles (0.000062%); highest among the groups gnomAD compares: Admixed American, 0.0017%; no homozygotes.

Submission:

Labcorp Genetics (formerly Invitae), Labcorp
Classification: Uncertain significance. Last evaluated: 2021-02-13. Review status: criteria provided, single submitter. Criteria: Invitae Variant Classification Sherloc (09022015). Collection method: clinical testing. Allele origin: germline.
Comment: In summary, the available evidence is currently insufficient to determine the role of this variant in disease. Therefore, it has been classified as a Variant of Uncertain Significance. Algorithms developed to predict the effect of missense changes on protein structure and function (SIFT, PolyPhen-2, Align-GVGD) all suggest that this variant is likely to be tolerated, but these predictions have not been confirmed by published functional studies and their clinical significance is uncertain. This variant has not been reported in the literature in individuals with CNNM4-related conditions. This variant is not present in population databases (ExAC no frequency). This sequence change replaces leucine with isoleucine at codon 542 of the CNNM4 protein (p.Leu542Ile). The leucine residue is moderately conserved and there is a small physicochemical difference between leucine and isoleucine.

NM_020184.4(CNNM4):c.1624C>A (p.Leu542Ile)

Gene: CNNM4 (cyclin and CBS domain divalent metal cation transport mediator 4; plus strand). Cytogenetic location: 2q11.2.
Variant type: single nucleotide variant.
Coding change: c.1624C>A on transcript NM_020184.4 (MANE Select); coding-DNA position 1624, C replaced by A.
Protein change: p.Leu542Ile; replaces leucine 542 with isoleucine.
Molecular consequence: missense variant.
Genome position (GRCh38, 1-based): chr2:96,797,590, C>A. VCF-style: chr2-96797590-C-A. GRCh37 (hg19) VCF-style: chr2-97463327-C-A.
Other names: short protein forms L542I.
Identifiers: ClinVar variation 1371976 (VCV001371976.8), dbSNP rs2153349385, ClinGen allele CA347703243.